The following is an entry in ClinVar:

NM_004963.4(GUCY2C):c.2125T>G (p.Phe709Val)

Gene: GUCY2C (guanylate cyclase 2C; minus strand). Cytogenetic location: 12p12.3.
Variant type: single nucleotide variant.
Coding change: c.2125T>G on transcript NM_004963.4 (MANE Select); coding-DNA position 2125, T replaced by G.
Protein change: p.Phe709Val; replaces phenylalanine 709 with valine.
Molecular consequence: missense variant.
Genome position (GRCh38, 1-based): chr12:14,639,894, A>C on the plus strand (T>G on the coding strand, the complement: GUCY2C is on the minus strand). VCF-style: chr12-14639894-A-C. GRCh37 (hg19) VCF-style: chr12-14792828-A-C.
Other names: short protein forms F709V.
Identifiers: ClinVar variation 2824524 (VCV002824524.3), dbSNP rs1947357747, ClinGen allele CA383983653.

ClinVar aggregate classification (germline): Uncertain significance (1 of 4 stars; one submission).

Allele frequency attached by ClinVar (database versions not stated): TOPMed below 0.00001; gnomAD 0.00001.
gnomAD v4.1: 1 of 1,610,844 alleles (0.000062%); highest among the groups gnomAD compares: African/African-American, 0.0013%; no homozygotes.

Submission:

Labcorp Genetics (formerly Invitae), Labcorp
Classification: Uncertain significance. Last evaluated: 2023-01-02. Review status: criteria provided, single submitter. Criteria: Invitae Variant Classification Sherloc (09022015). Collection method: clinical testing. Allele origin: germline.
Comment: Advanced modeling of protein sequence and biophysical properties (such as structural, functional, and spatial information, amino acid conservation, physicochemical variation, residue mobility, and thermodynamic stability) performed at Invitae indicates that this missense variant is not expected to disrupt GUCY2C protein function. This variant has not been reported in the literature in individuals affected with GUCY2C-related conditions. This variant is not present in population databases (gnomAD no frequency). This sequence change replaces phenylalanine, which is neutral and non-polar, with valine, which is neutral and non-polar, at codon 709 of the GUCY2C protein (p.Phe709Val). In summary, the available evidence is currently insufficient to determine the role of this variant in disease. Therefore, it has been classified as a Variant of Uncertain Significance.